The following is an entry in ClinVar:

NM_000081.4(LYST):c.9702C>T (p.Gly3234=)

Gene: LYST (lysosomal trafficking regulator; minus strand). Cytogenetic location: 1q42.3.
Variant type: single nucleotide variant.
Coding change: c.9702C>T on transcript NM_000081.4 (MANE Select); coding-DNA position 9702, C replaced by T.
Protein change: p.Gly3234=; no amino-acid change (glycine 3234 retained).
Molecular consequence: synonymous variant.
Genome position (GRCh38, 1-based): chr1:235,715,283, G>A on the plus strand (C>T on the coding strand, the complement: LYST is on the minus strand). VCF-style: chr1-235715283-G-A. GRCh37 (hg19) VCF-style: chr1-235878583-G-A.
Other names: c.9702C>T, p.Gly3234= (NM_001301365.1).
Identifiers: ClinVar variation 3030493 (VCV003030493.2), dbSNP rs2527406341, ClinGen allele CA423765327.

ClinVar aggregate classification (germline): Likely benign (0 of 4 stars; one submission).

Conditions:
LYST-related disorder. Also called: LYST-related condition.

Submission:

PreventionGenetics, part of Exact Sciences
Classification: Likely benign for LYST-related condition. Last evaluated: 2023-12-27. Review status: no assertion criteria provided. Collection method: clinical testing. Allele origin: germline.
Comment: This variant is classified as likely benign based on ACMG/AMP sequence variant interpretation guidelines (Richards et al. 2015 PMID: 25741868, with internal and published modifications).